The following is an entry in ClinVar:

NM_000632.4(ITGAM):c.2554T>A (p.Ser852Thr)

Gene: ITGAM (integrin subunit alpha M; plus strand). Cytogenetic location: 16p11.2.
Variant type: single nucleotide variant.
Coding change: c.2554T>A on transcript NM_000632.4 (MANE Select); coding-DNA position 2554, T replaced by A.
Protein change: p.Ser852Thr; replaces serine 852 with threonine.
Molecular consequence: missense variant.
Genome position (GRCh38, 1-based): chr16:31,325,548, T>A. VCF-style: chr16-31325548-T-A. GRCh37 (hg19) VCF-style: chr16-31336869-T-A.
Other names: c.2557T>A, p.Ser853Thr (NM_001145808.2); short protein forms S853T, S852T.
Identifiers: ClinVar variation 4766025 (VCV004766025.1).

ClinVar aggregate classification (germline): Uncertain significance (1 of 4 stars; one submission).

gnomAD v4.1: 26 of 1,613,778 alleles (0.0016%); highest among the groups gnomAD compares: Non-Finnish European, 0.0022%; no homozygotes.

Submission:

Labcorp Genetics (formerly Invitae), Labcorp
Classification: Uncertain significance. Last evaluated: 2025-12-01. Review status: criteria provided, single submitter. Criteria: Invitae Variant Classification Sherloc (09022015). Collection method: clinical testing. Allele origin: germline.
Comment: This sequence change replaces serine, which is neutral and polar, with threonine, which is neutral and polar, at codon 852 of the ITGAM protein (p.Ser852Thr). This variant is not present in population databases (gnomAD no frequency). This variant has not been reported in the literature in individuals affected with ITGAM-related conditions. An algorithm developed to predict the effect of missense changes on protein structure and function (PolyPhen-2) suggests that this variant is likely to be disruptive. In summary, the available evidence is currently insufficient to determine the role of this variant in disease. Therefore, it has been classified as a Variant of Uncertain Significance.